The following is an entry in ClinVar:

NR_029422.2(RNU12):n.53C>T

Gene: RNU12 (RNA, U12 small nuclear; plus strand). Cytogenetic location: 22q13.2.
Variant type: single nucleotide variant.
Molecular consequence: non-coding transcript variant (on NR_029422.2).
Genome position: GRCh38 VCF-style: chr22-42615296-C-T. GRCh37 (hg19) VCF-style: chr22-43011302-C-T.
Identifiers: ClinVar variation 3389430 (VCV003389430.14).
Genomic context (GRCh38, chr22:42,615,296, plus strand): 5'-ACGTCCTTATGCCTTAAACTTATGAGTAAGGAAAATAACGATTCGGGGTGACGCCCGAAT[C>T]CTCACTGCTAATGTGAGACGAATTTTTGAGCGGGTAAAGGTCGCCCTCAAGGTGACCCGC-3'

ClinVar aggregate classification (germline): Benign (1 of 4 stars; one submission).

gnomAD v4.1: 1,222 of 205,260 alleles (0.6%); highest among the groups gnomAD compares: East Asian, 1.3%; 7 homozygotes.

Submission:

CeGaT Center for Human Genetics Tuebingen
Classification: Benign. Last evaluated: 2026-06-01. Review status: criteria provided, single submitter. Criteria: CeGaT Center For Human Genetics Tuebingen Variant Classification Criteria Version 2. Collection method: clinical testing. Allele origin: germline. Affected: yes. Observed: 4 variant alleles.
Comment: RNU12: BS1, BS2